The following is an entry in ClinVar:

ClinVar aggregate classification (germline): Uncertain significance (1 of 4 stars; one submission).

Conditions:
Werner syndrome (WRN). Identifiers: Orphanet 902, MedGen C0043119, MONDO:0010196, OMIM 277700.

Submission:

Labcorp Genetics (formerly Invitae), Labcorp
Classification: Uncertain significance for Werner syndrome. Last evaluated: 2022-04-08. Review status: criteria provided, single submitter. Criteria: Invitae Variant Classification Sherloc (09022015). Collection method: clinical testing. Allele origin: germline.
Comment: In summary, the available evidence is currently insufficient to determine the role of this variant in disease. Therefore, it has been classified as a Variant of Uncertain Significance. Algorithms developed to predict the effect of missense changes on protein structure and function are either unavailable or do not agree on the potential impact of this missense change (SIFT: "Not Available"; PolyPhen-2: "Probably Damaging"; Align-GVGD: "Not Available"). This variant has not been reported in the literature in individuals affected with WRN-related conditions. This variant is not present in population databases (gnomAD no frequency). This sequence change replaces histidine, which is basic and polar, with glutamine, which is neutral and polar, at codon 183 of the WRN protein (p.His183Gln).

NM_000553.6(WRN):c.549C>A (p.His183Gln)

Gene: WRN (WRN RecQ like helicase; plus strand). Cytogenetic location: 8p12.
Variant type: single nucleotide variant.
Coding change: c.549C>A on transcript NM_000553.6 (MANE Select); coding-DNA position 549, C replaced by A.
Protein change: p.His183Gln; replaces histidine 183 with glutamine.
Molecular consequence: missense variant.
Genome position (GRCh38, 1-based): chr8:31,067,077, C>A. VCF-style: chr8-31067077-C-A. GRCh37 (hg19) VCF-style: chr8-30924593-C-A.
Other names: short protein forms H183Q.
Identifiers: ClinVar variation 2122947 (VCV002122947.4), dbSNP rs772637078, ClinGen allele CA370916004.